The following is an entry in ClinVar:

ClinVar aggregate classification (germline): Uncertain significance (1 of 4 stars; one submission).

Allele frequency attached by ClinVar (database versions not stated): gnomAD exomes below 0.00001; gnomAD 0.00001; TOPMed 0.00001; ESP Exome Variant Server 0.00008.

Submission:

Labcorp Genetics (formerly Invitae), Labcorp
Classification: Uncertain significance. Last evaluated: 2022-05-30. Review status: criteria provided, single submitter. Criteria: Invitae Variant Classification Sherloc (09022015). Collection method: clinical testing. Allele origin: germline.
Comment: This sequence change replaces glutamic acid, which is acidic and polar, with lysine, which is basic and polar, at codon 510 of the KIAA1549 protein (p.Glu510Lys). This variant is not present in population databases (gnomAD no frequency). This variant has not been reported in the literature in individuals affected with KIAA1549-related conditions. Algorithms developed to predict the effect of missense changes on protein structure and function output the following: SIFT: "Deleterious"; PolyPhen-2: "Benign"; Align-GVGD: "Class C0". The lysine amino acid residue is found in multiple mammalian species, which suggests that this missense change does not adversely affect protein function. In summary, the available evidence is currently insufficient to determine the role of this variant in disease. Therefore, it has been classified as a Variant of Uncertain Significance.

NM_001164665.2(KIAA1549):c.1528G>A (p.Glu510Lys)

Gene: KIAA1549 (KIAA1549; minus strand). Cytogenetic location: 7q34.
Variant type: single nucleotide variant.
Coding change: c.1528G>A on transcript NM_001164665.2 (MANE Select); coding-DNA position 1528, G replaced by A.
Protein change: p.Glu510Lys; replaces glutamic acid 510 with lysine.
Molecular consequence: missense variant.
Genome position (GRCh38, 1-based): chr7:138,918,098, C>T on the plus strand (G>A on the coding strand, the complement: KIAA1549 is on the minus strand). VCF-style: chr7-138918098-C-T. GRCh37 (hg19) VCF-style: chr7-138602844-C-T.
Other names: c.1528G>A, p.Glu510Lys (NM_020910.3); short protein forms E510K.
Identifiers: ClinVar variation 1930170 (VCV001930170.5), dbSNP rs370285796, ClinGen allele CA167163937.